The following is an entry in ClinVar:

NM_001372044.2(SHANK3):c.3989G>A (p.Arg1330Gln)

Gene: SHANK3 (SH3 and multiple ankyrin repeat domains 3; plus strand). Cytogenetic location: 22q13.33.
Variant type: single nucleotide variant.
Coding change: c.3989G>A on transcript NM_001372044.2 (MANE Select); coding-DNA position 3989, G replaced by A.
Protein change: p.Arg1330Gln; replaces arginine 1330 with glutamine.
Molecular consequence: missense variant.
Genome position (GRCh38, 1-based): chr22:50,721,597, G>A. VCF-style: chr22-50721597-G-A. GRCh37 (hg19) VCF-style: chr22-51160025-G-A.
Other names: c.3764G>A, p.Arg1255Gln (NM_033517.1); short protein forms R1255Q, R1330Q.
Identifiers: ClinVar variation 1709401 (VCV001709401.2), dbSNP rs931592695, ClinGen allele CA515262967.
Genomic context (GRCh38, chr22:50,721,597, plus strand): 5'-CGGAGTTGGCCCCGGCCCCCATGCAGTCAGCGGCTGTGGCAGAGCCCCTGCCCAGCCCCC[G>A]GGCCCAGCCCCCTGGTGGCACCCCGGCAGACGCCGGGCCAGGCCAGGGCAGCTCAGAGGA-3'
Protein context (NP_001358973.1, residues 1320-1340): AAVAEPLPSP[Arg1330Gln]AQPPGGTPAD

ClinVar aggregate classification (germline): Uncertain significance (1 of 4 stars; one submission).

Conditions:
Phelan-McDermid syndrome. Also called: TELOMERIC 22q13 MONOSOMY SYNDROME; 22q13.3 deletion syndrome; Phelan-McDermid Syndrome-SHANK3 Related. Identifiers: Orphanet 48652, MedGen C1853490, MONDO:0011652, OMIM 606232.

Allele frequency attached by ClinVar (database versions not stated): gnomAD 0.00001.

Submission:

MGZ Medical Genetics Center
Classification: Uncertain significance for Phelan-McDermid syndrome. Last evaluated: 2022-04-21. Review status: criteria provided, single submitter. Criteria: ACMG Guidelines, 2015. Collection method: clinical testing. Allele origin: germline. Affected: yes. Observed: 1 variant allele.
Comment: ACMG criteria applied: PM2_SUP, PP2, BP4